The following is an entry in ClinVar:

ClinVar aggregate classification (germline): Uncertain significance (1 of 4 stars; one submission).

Conditions:
Woodhouse-Sakati syndrome. Also called: EXTRAPYRAMIDAL DISORDER, PROGRESSIVE, WITH PRIMARY HYPOGONADISM, MENTAL RETARDATION, AND ALOPECIA; Hypogonadism, diabetes mellitus, alopecia, mental retardation and electrocardiographic abnormalities; Hypogonadism, Alopecia, Diabetes Mellitus, Mental Retardation, and Extrapyramidal Syndrome. Identifiers: Orphanet 3464, MedGen C0342286, MONDO:0009419, OMIM 241080.

Allele frequency attached by ClinVar (database versions not stated): ExAC 0.00002; gnomAD exomes 0.00002; TOPMed 0.00002; gnomAD 0.00004.
gnomAD v4.1: 40 of 1,613,364 alleles (0.0025%); highest among the groups gnomAD compares: Non-Finnish European, 0.0032%; no homozygotes.

Submission:

Labcorp Genetics (formerly Invitae), Labcorp
Classification: Uncertain significance for Woodhouse-Sakati syndrome. Last evaluated: 2022-09-01. Review status: criteria provided, single submitter. Criteria: Invitae Variant Classification Sherloc (09022015). Collection method: clinical testing. Allele origin: germline.
Comment: This sequence change replaces phenylalanine, which is neutral and non-polar, with leucine, which is neutral and non-polar, at codon 245 of the DCAF17 protein (p.Phe245Leu). This variant is present in population databases (rs773360559, gnomAD 0.005%). This variant has not been reported in the literature in individuals affected with DCAF17-related conditions. ClinVar contains an entry for this variant (Variation ID: 639012). Algorithms developed to predict the effect of missense changes on protein structure and function (SIFT, PolyPhen-2, Align-GVGD) all suggest that this variant is likely to be tolerated. In summary, the available evidence is currently insufficient to determine the role of this variant in disease. Therefore, it has been classified as a Variant of Uncertain Significance.

NM_025000.4(DCAF17):c.735C>G (p.Phe245Leu)

Gene: DCAF17 (DDB1 and CUL4 associated factor 17; plus strand). Cytogenetic location: 2q31.1.
Variant type: single nucleotide variant.
Coding change: c.735C>G on transcript NM_025000.4 (MANE Select); coding-DNA position 735, C replaced by G.
Protein change: p.Phe245Leu; replaces phenylalanine 245 with leucine.
Molecular consequence: missense variant.
Genome position (GRCh38, 1-based): chr2:171,458,374, C>G. VCF-style: chr2-171458374-C-G. GRCh37 (hg19) VCF-style: chr2-172314884-C-G.
Other names: c.735C>G, p.Phe245Leu (NM_001164821.2); short protein forms F245L.
Identifiers: ClinVar variation 639012 (VCV000639012.6), dbSNP rs773360559, ClinGen allele CA1964783.